The following is an entry in ClinVar:

NM_000246.4(CIITA):c.1651G>C (p.Gly551Arg)

Gene: CIITA (class II major histocompatibility complex transactivator; plus strand). Cytogenetic location: 16p13.13.
Variant type: single nucleotide variant.
Coding change: c.1651G>C on transcript NM_000246.4 (MANE Select); coding-DNA position 1651, G replaced by C.
Protein change: p.Gly551Arg; replaces glycine 551 with arginine.
Molecular consequence: missense variant. On other transcripts: intron variant (1).
Genome position (GRCh38, 1-based): chr16:10,907,143, G>C. VCF-style: chr16-10907143-G-C. GRCh37 (hg19) VCF-style: chr16-11001000-G-C.
Other names: c.1654G>C, p.Gly552Arg (NM_001286402.1, NM_001379332.1); c.1507G>C, p.Gly503Arg (NM_001379330.1); c.1504G>C, p.Gly502Arg (NM_001379331.1); c.1651G>C, p.Gly551Arg (NM_001379333.1); c.1582G>C, p.Gly528Arg (NM_001379334.1); c.860-1840G>C (NM_001286403.2); short protein forms G528R, G551R, G503R, G502R, G552R.
Identifiers: ClinVar variation 2008411 (VCV002008411.4), dbSNP rs772086041, ClinGen allele CA394731350.

ClinVar aggregate classification (germline): Uncertain significance (1 of 4 stars; one submission).

Conditions:
MHC class II deficiency. Also called: Bare lymphocyte syndrome 2; BLS, TYPE II. Identifiers: Orphanet 572, MedGen C5447452, MONDO:0008855.

Submission:

Labcorp Genetics (formerly Invitae), Labcorp
Classification: Uncertain significance for MHC class II deficiency. Last evaluated: 2022-06-19. Review status: criteria provided, single submitter. Criteria: Invitae Variant Classification Sherloc (09022015). Collection method: clinical testing. Allele origin: germline.
Comment: In summary, the available evidence is currently insufficient to determine the role of this variant in disease. Therefore, it has been classified as a Variant of Uncertain Significance. Algorithms developed to predict the effect of missense changes on protein structure and function are either unavailable or do not agree on the potential impact of this missense change (SIFT: "Tolerated"; PolyPhen-2: "Probably Damaging"; Align-GVGD: "Class C0"). This variant has not been reported in the literature in individuals affected with CIITA-related conditions. This variant is not present in population databases (gnomAD no frequency). This sequence change replaces glycine, which is neutral and non-polar, with arginine, which is basic and polar, at codon 551 of the CIITA protein (p.Gly551Arg).